The following is an entry in ClinVar:

ClinVar aggregate classification (germline): Benign/Likely benign. Review status: criteria provided, multiple submitters, no conflicts (2 of 4 stars). 4 submissions from 4 submitters: Benign (2); Likely benign (2). Last evaluated 2025-09-04.

Conditions:
KRT10-related disorder. Also called: KRT10-related condition.

Allele frequency attached by ClinVar (database versions not stated): 1000 Genomes Project 0.00060; gnomAD exomes 0.00092 and 0.00147; ESP Exome Variant Server 0.00100; gnomAD 0.00109 and 0.00118; ExAC 0.00139; TOPMed 0.00147; 1000 Genomes Project 30x 0.00047.
gnomAD v4.1: 1,577 of 1,599,452 alleles (0.099%); highest among the groups gnomAD compares: Middle Eastern, 1.6%; 14 homozygotes.

Submissions (4):

Labcorp Genetics (formerly Invitae), Labcorp
Classification: Benign. Last evaluated: 2025-09-04. Review status: criteria provided, single submitter. Criteria: Invitae Variant Classification Sherloc (09022015). Collection method: clinical testing. Allele origin: germline.

PreventionGenetics, part of Exact Sciences
Classification: Likely benign for KRT10-related condition. Last evaluated: 2025-07-28. Review status: criteria provided, single submitter. Criteria: ACMG Guidelines, 2015. Collection method: clinical testing. Allele origin: germline.
Comment: This variant is classified as likely benign based on ACMG/AMP sequence variant interpretation guidelines (Richards et al. 2015 PMID: 25741868, with internal and published modifications).

Blueprint Genetics
Classification: Likely benign. Last evaluated: 2024-11-21. Review status: criteria provided, single submitter. Criteria: ACMG Guidelines, 2015. Collection method: clinical testing. Allele origin: germline.

Breakthrough Genomics
Classification: Benign. Review status: criteria provided, single submitter. Criteria: ACMG Guidelines, 2015. Collection method: not provided. Allele origin: germline. Inheritance: Autosomal dominant inheritance. Affected: yes.

NM_000421.5(KRT10):c.312G>A (p.Gly104=)

Genes: KRT10-AS1 (KRT10 antisense RNA 1; plus strand), KRT10 (keratin 10; minus strand). Cytogenetic location: 17q21.2.
Variant type: single nucleotide variant.
Coding change: c.312G>A on transcript NM_000421.5 (MANE Select); coding-DNA position 312, G replaced by A.
Protein change: p.Gly104=; no amino-acid change (glycine 104 retained).
Molecular consequence: synonymous variant.
Genome position (GRCh38, 1-based): chr17:40,822,274, C>T on the plus strand (G>A on the coding strand, the complement: KRT10 is on the minus strand). VCF-style: chr17-40822274-C-T. GRCh37 (hg19) VCF-style: chr17-38978526-C-T.
Other names: c.312G>A (NM_000421.3); c.312G>A, p.Gly104= (NM_001379366.1).
Identifiers: ClinVar variation 1659056 (VCV001659056.11), dbSNP rs141830953, ClinGen allele CA8548321.